The following is an entry in ClinVar:

ClinVar aggregate classification (germline): Uncertain significance (1 of 4 stars; one submission).

Conditions:
Bethlem myopathy 1A. Also called: MYOPATHY, BENIGN CONGENITAL, WITH CONTRACTURES; Bethlem myopathy 1; Bethlem Muscular Dystrophy. Identifiers: Orphanet 610, MedGen CN029274, MONDO:0024530, OMIM 158810.

gnomAD v4.1: 1 of 1,612,860 alleles (0.000062%); highest among the groups gnomAD compares: Non-Finnish European, 0.000085%; no homozygotes.

Submission:

Labcorp Genetics (formerly Invitae), Labcorp
Classification: Uncertain significance for Bethlem myopathy 1A. Last evaluated: 2024-10-12. Review status: criteria provided, single submitter. Criteria: Invitae Variant Classification Sherloc (09022015). Collection method: clinical testing. Allele origin: germline.
Comment: This sequence change replaces leucine, which is neutral and non-polar, with proline, which is neutral and non-polar, at codon 684 of the COL6A2 protein (p.Leu684Pro). This variant is not present in population databases (gnomAD no frequency). This variant has not been reported in the literature in individuals affected with COL6A2-related conditions. Invitae Evidence Modeling of protein sequence and biophysical properties (such as structural, functional, and spatial information, amino acid conservation, physicochemical variation, residue mobility, and thermodynamic stability) indicates that this missense variant is expected to disrupt COL6A2 protein function with a positive predictive value of 80%. In summary, the available evidence is currently insufficient to determine the role of this variant in disease. Therefore, it has been classified as a Variant of Uncertain Significance.

NM_001849.4(COL6A2):c.2051T>C (p.Leu684Pro)

Gene: COL6A2 (collagen type VI alpha 2 chain; plus strand). Cytogenetic location: 21q22.3.
Variant type: single nucleotide variant.
Coding change: c.2051T>C on transcript NM_001849.4 (MANE Select); coding-DNA position 2051, T replaced by C.
Protein change: p.Leu684Pro; replaces leucine 684 with proline.
Molecular consequence: missense variant.
Genome position (GRCh38, 1-based): chr21:46,125,866, T>C. VCF-style: chr21-46125866-T-C. GRCh37 (hg19) VCF-style: chr21-47545780-T-C.
Other names: c.2051T>C, p.Leu684Pro (NM_058174.3, NM_058175.3); short protein forms L684P.
Identifiers: ClinVar variation 3716121 (VCV003716121.2).